The following is an entry in ClinVar:

ClinVar aggregate classification (germline): Uncertain significance. Review status: criteria provided, multiple submitters, no conflicts (2 of 4 stars). 3 submissions from 3 submitters: Uncertain significance (2). 1 of the submissions does not count toward it. Last evaluated 2025-08-23.

Conditions:
Inborn genetic diseases. Identifiers: MedGen C0950123, MeSH D030342.
Hereditary spastic paraplegia 49 (HSAN9). Also called: Spastic paraplegia 49, autosomal recessive; NEUROPATHY, HEREDITARY SENSORY AND AUTONOMIC, TYPE IX, WITH DEVELOPMENTAL DELAY; TECPR2-Related Hereditary Sensory and Autonomic Neuropathy with Intellectual Disability. Identifiers: Orphanet 320385, MedGen C5190860, MONDO:0014016, OMIM 615031.

Allele frequency attached by ClinVar (database versions not stated): gnomAD exomes 0.00013 and 0.00005; ExAC 0.00014; TOPMed 0.00003; gnomAD 0.00005 and 0.00006.

Submissions (3):

Ambry Genetics
Classification: Uncertain significance for Inborn genetic diseases. Last evaluated: 2025-08-23. Review status: criteria provided, single submitter. Criteria: Ambry Variant Classification Scheme 2023. Collection method: clinical testing. Allele origin: germline.

Labcorp Genetics (formerly Invitae), Labcorp
Classification: Uncertain significance for Hereditary spastic paraplegia 49. Last evaluated: 2021-09-07. Review status: criteria provided, single submitter. Criteria: Invitae Variant Classification Sherloc (09022015). Collection method: clinical testing. Allele origin: germline.
Comment: This sequence change replaces glycine with arginine at codon 598 of the TECPR2 protein (p.Gly598Arg). The glycine residue is weakly conserved and there is a moderate physicochemical difference between glycine and arginine. This variant is present in population databases (rs772792595, ExAC 0.2%). This variant has not been reported in the literature in individuals affected with TECPR2-related conditions. Algorithms developed to predict the effect of missense changes on protein structure and function output the following: SIFT: "Tolerated"; PolyPhen-2: "Benign"; Align-GVGD: "Class C0". The arginine amino acid residue is found in multiple mammalian species, which suggests that this missense change does not adversely affect protein function. In summary, the available evidence is currently insufficient to determine the role of this variant in disease. Therefore, it has been classified as a Variant of Uncertain Significance.

Natera, Inc.
Classification: Likely benign for Autosomal recessive spastic paraplegia type 49. Last evaluated: 2020-09-15. Review status: no assertion criteria provided. Collection method: clinical testing. Allele origin: germline. Not counted in ClinVar's aggregate classification.

NM_014844.5(TECPR2):c.1792G>A (p.Gly598Arg)

Gene: TECPR2 (tectonin beta-propeller repeat containing 2; plus strand). Cytogenetic location: 14q32.31.
Variant type: single nucleotide variant.
Coding change: c.1792G>A on transcript NM_014844.5 (MANE Select); coding-DNA position 1792, G replaced by A.
Protein change: p.Gly598Arg; replaces glycine 598 with arginine.
Molecular consequence: missense variant.
Genome position (GRCh38, 1-based): chr14:102,434,609, G>A. VCF-style: chr14-102434609-G-A. GRCh37 (hg19) VCF-style: chr14-102900946-G-A.
Other names: c.1792G>A, p.Gly598Arg (NM_001172631.3); short protein forms G598R.
Identifiers: ClinVar variation 965533 (VCV000965533.8), dbSNP rs772792595, ClinGen allele CA7357788.